The following is an entry in ClinVar:

ClinVar aggregate classification (germline): Pathogenic/Likely pathogenic. Review status: criteria provided, multiple submitters, no conflicts (2 of 4 stars). 2 submissions from 2 submitters: Pathogenic (1); Likely pathogenic (1). Last evaluated 2022-05-04.

Conditions:
Becker muscular dystrophy (BMD). Also called: MUSCULAR DYSTROPHY, PSEUDOHYPERTROPHIC PROGRESSIVE, BECKER TYPE; Becker Muscular Dystrophy (BMD). Identifiers: Orphanet 98895, MedGen C0917713, MONDO:0010311, OMIM 300376.
Duchenne muscular dystrophy (DMD). Also called: Duchenne Muscular Dystrophy (DMD); MUSCULAR DYSTROPHY, PSEUDOHYPERTROPHIC PROGRESSIVE, DUCHENNE TYPE. Identifiers: Orphanet 98896, MedGen C0013264, MONDO:0010679, OMIM 310200.

Submissions (2):

Mendelics
Classification: Pathogenic for Becker muscular dystrophy. Last evaluated: 2022-05-04. Review status: criteria provided, single submitter. Criteria: Mendelics Assertion Criteria 2019. Collection method: clinical testing. Allele origin: germline.

Labcorp Genetics (formerly Invitae), Labcorp
Classification: Likely pathogenic for Duchenne muscular dystrophy. Last evaluated: 2019-08-06. Review status: criteria provided, single submitter. Criteria: Invitae Variant Classification Sherloc (09022015). Collection method: clinical testing. Allele origin: germline.
Comment: This sequence change affects a donor splice site in intron 23 of the DMD gene. It is expected to disrupt RNA splicing and likely results in an absent or disrupted protein product. This variant is not present in population databases (ExAC no frequency). This variant has been reported in an individual in the Leiden Open-source Variation Database (PMID: 21520333). Donor and acceptor splice site variants typically lead to a loss of protein function (PMID: 16199547), and loss-of-function variants in DMD are known to be pathogenic (PMID: 16770791, 25007885). In summary, the currently available evidence indicates that the variant is pathogenic, but additional data are needed to prove that conclusively. Therefore, this variant has been classified as Likely Pathogenic.

Literature cited by the submitters: PubMed 21520333 (cited by Labcorp Genetics (formerly Invitae), Labcorp); PubMed 16199547 (cited by Labcorp Genetics (formerly Invitae), Labcorp); PubMed 16770791 (cited by Labcorp Genetics (formerly Invitae), Labcorp); PubMed 25007885 (cited by Labcorp Genetics (formerly Invitae), Labcorp).

NM_004006.3(DMD):c.3162+1G>A

Gene: DMD (dystrophin; minus strand). Cytogenetic location: Xp21.1.
Variant type: single nucleotide variant.
Coding change: c.3162+1G>A on transcript NM_004006.3 (MANE Select); the canonical splice donor site of the intron after coding-DNA position 3162, G replaced by A.
Molecular consequence: splice donor variant.
Genome position (GRCh38, 1-based): chrX:32,468,497, C>T on the plus strand (G>A on the coding strand, the complement: DMD is on the minus strand). VCF-style: chrX-32468497-C-T. GRCh37 (hg19) VCF-style: chrX-32486614-C-T.
Other names: c.3138+1G>A (NM_000109.4); c.3150+1G>A (NM_004009.3); c.2793+1G>A (NM_004010.3).
Identifiers: ClinVar variation 945133 (VCV000945133.9), dbSNP rs1335666832, ClinGen allele CA412666728.